The following is an entry in ClinVar:

NM_004329.3(BMPR1A):c.1474-9A>G

Gene: BMPR1A (bone morphogenetic protein receptor type 1A; plus strand). Cytogenetic location: 10q23.2.
Variant type: single nucleotide variant.
Coding change: c.1474-9A>G on transcript NM_004329.3 (MANE Select); 9 bases into the intron before coding-DNA position 1474, A replaced by G.
Molecular consequence: intron variant.
Genome position (GRCh38, 1-based): chr10:86,923,585, A>G. VCF-style: chr10-86923585-A-G. GRCh37 (hg19) VCF-style: chr10-88683342-A-G.
Identifiers: ClinVar variation 136049 (VCV000136049.61), dbSNP rs372031054, ClinGen allele CA332826.

ClinVar aggregate classification (germline): Benign/Likely benign. Review status: criteria provided, multiple submitters, no conflicts (2 of 4 stars). 11 submissions from 11 submitters: Benign (1); Likely benign (9). 1 of the submissions does not count toward it. Last evaluated 2026-01-31.

Conditions:
Polyposis syndrome, hereditary mixed, 2. Identifiers: Orphanet 157794, MedGen C1864730, MONDO:0012405, OMIM 610069.
Juvenile polyposis syndrome (JPS). Identifiers: Orphanet 2929, MedGen C0345893, MONDO:0017380, OMIM 174900.
Hereditary cancer-predisposing syndrome. Also called: Tumor predisposition; Hereditary neoplastic syndrome; Neoplastic Syndromes, Hereditary; Hereditary Cancer Syndrome. Identifiers: Orphanet 140162, MedGen C0027672, MeSH D009386, MONDO:0015356.

Allele frequency attached by ClinVar (database versions not stated): ExAC 0.00002; gnomAD 0.00003 and 0.00004; gnomAD exomes 0.00004 and 0.00005; TOPMed 0.00004; ESP Exome Variant Server 0.00015.
gnomAD v4.1: 72 of 1,614,096 alleles (0.0045%); highest among the groups gnomAD compares: Non-Finnish European, 0.0059%; no homozygotes.

Submissions (11):

Labcorp Genetics (formerly Invitae), Labcorp
Classification: Likely benign for Juvenile polyposis syndrome. Last evaluated: 2026-01-31. Review status: criteria provided, single submitter. Criteria: Invitae Variant Classification Sherloc (09022015). Collection method: clinical testing. Allele origin: germline.

Quest Diagnostics Nichols Institute San Juan Capistrano
Classification: Likely benign. Last evaluated: 2025-03-31. Review status: criteria provided, single submitter. Criteria: Quest Diagnostics criteria. Collection method: clinical testing. Allele origin: unknown.

Center for Genomic Medicine, Rigshospitalet, Copenhagen University Hospital
Classification: Likely benign. Last evaluated: 2025-03-04. Review status: criteria provided, single submitter. Criteria: ACMG Guidelines, 2015. Collection method: clinical testing. Allele origin: germline.

Blueprint Genetics
Classification: Likely benign. Last evaluated: 2024-08-22. Review status: criteria provided, single submitter. Criteria: ACMG Guidelines, 2015. Collection method: clinical testing. Allele origin: germline.

Department of Pathology and Laboratory Medicine, Sinai Health System
Classification: Likely benign for Juvenile polyposis syndrome; Polyposis syndrome, hereditary mixed, 2. Last evaluated: 2024-07-02. Review status: criteria provided, single submitter. Criteria: ACMG Guidelines, 2015. Collection method: clinical testing. Allele origin: germline. Affected: no.

All of Us Research Program, National Institutes of Health
Classification: Likely benign for Juvenile polyposis syndrome. Last evaluated: 2023-12-13. Review status: criteria provided, single submitter. Criteria: ACMG Guidelines, 2015. Collection method: clinical testing. Allele origin: germline. Inheritance: Autosomal dominant inheritance. Observed: 16 variant alleles, 16 heterozygotes.
Comment: This study involves interpretation of variants in research participants for the purpose of population health screening. Participant phenotype was not available at the time of variant classification. Additional details can be found in publication PMID: 35346344, PMCID: PMC8962531

Myriad Genetics, Inc.
Classification: Benign for Juvenile polyposis syndrome. Last evaluated: 2023-03-02. Review status: criteria provided, single submitter. Criteria: Myriad Autosomal Dominant, Autosomal Recessive and X-Linked Classification Criteria (2023). Collection method: clinical testing. Allele origin: unknown.
Comment: This variant is considered benign. Homozygosity has been confirmed in one or more individuals. As homozygosity for pathogenic variants in this gene is generally assumed to result in embryonic lethality, this variant is unlikely to be pathogenic.

Sema4
Classification: Likely benign for Hereditary cancer-predisposing syndrome. Last evaluated: 2020-10-09. Review status: criteria provided, single submitter. Criteria: Sema4 Curation Guidelines. Collection method: curation. Allele origin: germline.

GeneDx
Classification: Likely benign. Last evaluated: 2020-09-27. Review status: criteria provided, single submitter. Criteria: GeneDx Variant Classification Process June 2021. Collection method: clinical testing. Allele origin: germline. Affected: yes.

Color Diagnostics, LLC DBA Color Health
Classification: Likely benign for Hereditary cancer-predisposing syndrome. Last evaluated: 2016-08-05. Review status: criteria provided, single submitter. Criteria: ACMG Guidelines, 2015. Collection method: clinical testing. Allele origin: germline.

Counsyl
Classification: Likely benign for Juvenile polyposis syndrome. Last evaluated: 2016-09-09. Review status: no assertion criteria provided. Collection method: clinical testing. Allele origin: unknown. Not counted in ClinVar's aggregate classification.